The following is an entry in ClinVar:

ClinVar aggregate classification (germline): Uncertain significance (1 of 4 stars; one submission).

gnomAD v4.1: 20 of 1,613,894 alleles (0.0012%); highest among the groups gnomAD compares: African/African-American, 0.025%; no homozygotes.

Submission:

CeGaT Center for Human Genetics Tuebingen
Classification: Uncertain significance. Last evaluated: 2025-04-01. Review status: criteria provided, single submitter. Criteria: CeGaT Center For Human Genetics Tuebingen Variant Classification Criteria Version 2. Collection method: clinical testing. Allele origin: germline. Affected: yes. Observed: 1 variant allele.
Comment: ANO6: PM2:Supporting, BP4

NM_001025356.3(ANO6):c.2636A>G (p.His879Arg)

Gene: ANO6 (anoctamin 6; plus strand). Cytogenetic location: 12q12.
Variant type: single nucleotide variant.
Coding change: c.2636A>G on transcript NM_001025356.3 (MANE Select); coding-DNA position 2636, A replaced by G.
Protein change: p.His879Arg; replaces histidine 879 with arginine.
Molecular consequence: missense variant. On other transcripts: intron variant (1).
Genome position (GRCh38, 1-based): chr12:45,429,214, A>G. VCF-style: chr12-45429214-A-G. GRCh37 (hg19) VCF-style: chr12-45822997-A-G.
Other names: c.2582A>G, p.His861Arg (NM_001142678.2); c.2699A>G, p.His900Arg (NM_001204803.2); c.2603A>G, p.His868Arg (NM_001410973.1); c.2526+6152A>G (NM_001142679.2); short protein forms H861R, H868R, H879R, H900R.
Identifiers: ClinVar variation 3898375 (VCV003898375.7).